The following is an entry in ClinVar:

NM_000051.4(ATM):c.3939_3940del (p.Glu1313fs)

Gene: ATM (ATM serine/threonine kinase; plus strand). Cytogenetic location: 11q22.3.
Variant type: Microsatellite.
Coding change: c.3939_3940del on transcript NM_000051.4 (MANE Select); coding-DNA positions 3939 to 3940, 2 bases deleted (GA; older notation c.3939_3940delGA).
Protein change: p.Glu1313fs; shifts the reading frame from glutamic acid 1313.
Molecular consequence: frameshift variant.
Genome position (GRCh38, 1-based): chr11:108,284,419-108,284,420, GA deleted; deleting any 2 consecutive bases within chr11:108,284,414-108,284,420 gives the same sequence; the c. name uses the placement nearest the transcript's 3' end. VCF-style (leftmost placement, unchanged base first): chr11-108284413-AAG-A. GRCh37 (hg19) VCF-style: chr11-108155140-AAG-A.
Other names: c.3939_3940del, p.Glu1313fs (NM_001351834.2); c.3939_3940delGA (NM_000051.3); short protein forms E1313fs.
Identifiers: ClinVar variation 552442 (VCV000552442.15), dbSNP rs1555093684, ClinGen allele CA658822195.
Genomic context (GRCh38, chr11:108,284,413, plus strand): 5'-TGTAAATATTCTTCCTTATTTTGCCTATGAGGGTACCAGAGACAGTGGGATGGCACAGCA[AAG>A]AGAGACTGCTACCAAGGTCTATGATATGCTTAAAAGTGAAAACTTATTGGGAAAACAGGT-3'

ClinVar aggregate classification (germline): Pathogenic/Likely pathogenic. Review status: criteria provided, multiple submitters, no conflicts (2 of 4 stars). 6 submissions from 6 submitters: Pathogenic (3); Likely pathogenic (2). 1 of the submissions does not count toward it. Last evaluated 2024-10-11.

Conditions:
Hereditary cancer-predisposing syndrome. Also called: Hereditary Cancer Syndrome; Hereditary neoplastic syndrome; Neoplastic Syndromes, Hereditary; Tumor predisposition. Identifiers: Orphanet 140162, MedGen C0027672, MeSH D009386, MONDO:0015356.
Ataxia-telangiectasia syndrome (AT). Also called: Ataxia-telangiectasia, complementation group D; AT, COMPLEMENTATION GROUP C; Ataxia-telangiectasia, complementation group E; LOUIS-BAR SYNDROME; Cerebello-oculocutaneous telangiectasia; Immunodeficiency with ataxia telangiectasia. Identifiers: Orphanet 100, MedGen C0004135, MONDO:0008840, OMIM 208900.
Familial cancer of breast. Also called: hereditary breast carcinoma; BREAST CANCER, FAMILIAL; Hereditary breast cancer. Identifiers: Orphanet 227535, MedGen C0346153, MONDO:0016419, OMIM 114480. Disease mechanism: loss of function.

Submissions (6):

Ambry Genetics
Classification: Pathogenic for Hereditary cancer-predisposing syndrome. Last evaluated: 2024-10-11. Review status: criteria provided, single submitter. Criteria: Ambry Variant Classification Scheme 2023. Collection method: clinical testing. Allele origin: germline.
Comment: The c.3939_3940delGA pathogenic mutation, located in coding exon 25 of the ATM gene, results from a deletion of two nucleotides at nucleotide positions 3939 to 3940, causing a translational frameshift with a predicted alternate stop codon (p.E1313Dfs*7). This variant is considered to be rare based on population cohorts in the Genome Aggregation Database (gnomAD). This alteration is expected to result in loss of function by premature protein truncation or nonsense-mediated mRNA decay. As such, this alteration is interpreted as a disease-causing mutation.

Labcorp Genetics (formerly Invitae), Labcorp
Classification: Pathogenic for Ataxia-telangiectasia syndrome. Last evaluated: 2024-04-22. Review status: criteria provided, single submitter. Criteria: Invitae Variant Classification Sherloc (09022015). Collection method: clinical testing. Allele origin: germline.
Comment: This sequence change creates a premature translational stop signal (p.Glu1313Aspfs*7) in the ATM gene. It is expected to result in an absent or disrupted protein product. Loss-of-function variants in ATM are known to be pathogenic (PMID: 23807571, 25614872). This variant is not present in population databases (gnomAD no frequency). This premature translational stop signal has been observed in individual(s) with pancreatic cancer (PMID: 27449771). ClinVar contains an entry for this variant (Variation ID: 552442). For these reasons, this variant has been classified as Pathogenic.

Myriad Genetics, Inc.
Classification: Pathogenic for Familial cancer of breast. Last evaluated: 2023-01-13. Review status: criteria provided, single submitter. Criteria: Myriad Autosomal Dominant, Autosomal Recessive and X-Linked Classification Criteria (2023). Collection method: clinical testing. Allele origin: unknown.
Comment: This variant is considered pathogenic. This variant creates a frameshift predicted to result in premature protein truncation.

Women's Health and Genetics/Laboratory Corporation of America, LabCorp
Classification: Likely pathogenic for Familial cancer of breast. Last evaluated: 2020-03-26. Review status: criteria provided, single submitter. Criteria: LabCorp Variant Classification Summary - May 2015. Collection method: clinical testing. Allele origin: germline.
Comment: Variant summary: ATM c.3939_3940delGA (p.Glu1313AspfsX7) results in a premature termination codon, predicted to cause a truncation of the encoded protein or absence of the protein due to nonsense mediated decay, which are commonly known mechanisms for disease. Truncations downstream of this position have been classified as pathogenic by our laboratory. The variant was absent in 251244 control chromosomes (gnomAD). c.3939_3940delGA has been reported in the literature in an individual affected with pancreatic cancer (Yang_2016). These data do not allow any conclusion about variant significance. To our knowledge, no experimental evidence demonstrating an impact on protein function has been reported. Two ClinVar submitters (evaluation after 2014) cite the variant as likely pathogenic. Based on the evidence outlined above, the variant was classified as likely pathogenic.

Human Genome Sequencing Center Clinical Lab, Baylor College of Medicine
Classification: Likely pathogenic for Familial cancer of breast. Last evaluated: 2017-12-24. Review status: criteria provided, single submitter. Criteria: ACMG Guidelines, 2015. Collection method: clinical testing. Allele origin: germline.
Comment: This c.3939_3940delGA (p.Glu1313Aspfs*7) variant in the ATM gene is predicted to introduce a premature translation termination codon. This variant has been observed in a patient with pancreatic cancer (PMID 27449771). Mono-allelic variants in the ATM gene have been associated with susceptibility to breast cancer (OMIM 114480) whereas bi-allelic variants in this gene are associated with Ataxia-telangiectasia (OMIM 208900). This frameshift variant in the ATM gene is classified as likely pathogenic.

Counsyl
Classification: Likely pathogenic for Ataxia-telangiectasia syndrome. Last evaluated: 2017-06-09. Review status: no assertion criteria provided. Collection method: clinical testing. Allele origin: unknown. Not counted in ClinVar's aggregate classification.

Literature cited by the submitters: PubMed 23807571 (cited by Labcorp Genetics (formerly Invitae), Labcorp); PubMed 25614872 (cited by Labcorp Genetics (formerly Invitae), Labcorp); PubMed 27449771 (cited by Labcorp Genetics (formerly Invitae), Labcorp and Women's Health and Genetics/Laboratory Corporation of America, LabCorp).